The following is an entry in ClinVar:

ClinVar aggregate classification (germline): Uncertain significance. Review status: criteria provided, multiple submitters, no conflicts (2 of 4 stars). 2 submissions from 2 submitters: Uncertain significance (2). Last evaluated 2024-04-25.

Conditions:
Familial thoracic aortic aneurysm and aortic dissection (TAAD). Also called: Thoracic aortic aneurysms and dissections. Identifiers: Orphanet 91387, MedGen C4707243, MONDO:0019625.
Marfan syndrome (MFS). Also called: Marfan syndrome type 1; Marfan syndrome, classic; Marfan's syndrome; FBN1-Related Marfan Syndrome; MARFAN SYNDROME, TYPE I. Identifiers: Orphanet 284963, Orphanet 558, MedGen C0024796, MONDO:0007947, OMIM 154700.

Submissions (2):

Labcorp Genetics (formerly Invitae), Labcorp
Classification: Uncertain significance for Marfan syndrome; Familial thoracic aortic aneurysm and aortic dissection. Last evaluated: 2024-04-25. Review status: criteria provided, single submitter. Criteria: Invitae Variant Classification Sherloc (09022015). Collection method: clinical testing. Allele origin: germline.
Comment: This sequence change replaces tyrosine, which is neutral and polar, with cysteine, which is neutral and slightly polar, at codon 2466 of the FBN1 protein (p.Tyr2466Cys). This variant is not present in population databases (gnomAD no frequency). This variant has not been reported in the literature in individuals affected with FBN1-related conditions. ClinVar contains an entry for this variant (Variation ID: 519765). Advanced modeling of protein sequence and biophysical properties (such as structural, functional, and spatial information, amino acid conservation, physicochemical variation, residue mobility, and thermodynamic stability) performed at Invitae indicates that this missense variant is expected to disrupt FBN1 protein function with a positive predictive value of 95%. In summary, the available evidence is currently insufficient to determine the role of this variant in disease. Therefore, it has been classified as a Variant of Uncertain Significance.

Ambry Genetics
Classification: Uncertain significance for Familial thoracic aortic aneurysm and aortic dissection. Last evaluated: 2017-04-18. Review status: criteria provided, single submitter. Criteria: Ambry Variant Classification Scheme 2023. Collection method: clinical testing. Allele origin: germline.
Comment: The p.Y2466C variant (also known as c.7397A>G), located in coding exon 59 of the FBN1 gene, results from an A to G substitution at nucleotide position 7397. The tyrosine at codon 2466 is replaced by cysteine, an amino acid with highly dissimilar properties, and is located in the cb EGF-like #38 domain. This amino acid position is well conserved in available vertebrate species. In addition, the in silico prediction for this alteration is inconclusive. The majority of FBN1 mutations identified to date have involved the substitution or generation of cysteine residues within cbEGF domains (Vollbrandt T et al. J Biol Chem. 2004;279(31):32924-32931). However, since supporting evidence is limited at this time, the clinical significance of this variant remains unclear. Family studies may help to elucidate the clinical impact of this alteration.

NM_000138.5(FBN1):c.7397A>G (p.Tyr2466Cys)

Gene: FBN1 (fibrillin 1; minus strand). Cytogenetic location: 15q21.1.
Variant type: single nucleotide variant.
Coding change: c.7397A>G on transcript NM_000138.5 (MANE Select); coding-DNA position 7397, A replaced by G.
Protein change: p.Tyr2466Cys; replaces tyrosine 2466 with cysteine.
Molecular consequence: missense variant.
Genome position (GRCh38, 1-based): chr15:48,425,425, T>C on the plus strand (A>G on the coding strand, the complement: FBN1 is on the minus strand). VCF-style: chr15-48425425-T-C. GRCh37 (hg19) VCF-style: chr15-48717622-T-C.
Other names: short protein forms Y2466C.
Identifiers: ClinVar variation 519765 (VCV000519765.13), dbSNP rs1555394403, ClinGen allele CA392327802.